The following is an entry in ClinVar:

ClinVar aggregate classification (germline): Uncertain significance (1 of 4 stars; one submission).

Conditions:
Joubert syndrome 21 (JBTS21). Identifiers: MedGen C3810212, MONDO:0014288, OMIM 615636.

Allele frequency attached by ClinVar (database versions not stated): gnomAD exomes below 0.00001.
gnomAD v4.1: 1 of 1,593,692 alleles (0.000063%); highest among the groups gnomAD compares: South Asian, 0.0011%; no homozygotes.

Submission:

Labcorp Genetics (formerly Invitae), Labcorp
Classification: Uncertain significance for Joubert syndrome 21. Last evaluated: 2022-07-20. Review status: criteria provided, single submitter. Criteria: Invitae Variant Classification Sherloc (09022015). Collection method: clinical testing. Allele origin: germline.
Comment: In summary, the available evidence is currently insufficient to determine the role of this variant in disease. Therefore, it has been classified as a Variant of Uncertain Significance. Algorithms developed to predict the effect of missense changes on protein structure and function (SIFT, PolyPhen-2, Align-GVGD) all suggest that this variant is likely to be tolerated. This variant has not been reported in the literature in individuals affected with CSPP1-related conditions. This variant is not present in population databases (gnomAD no frequency). This sequence change replaces cysteine, which is neutral and slightly polar, with arginine, which is basic and polar, at codon 365 of the CSPP1 protein (p.Cys365Arg).

NM_001382391.1(CSPP1):c.1066T>C (p.Cys356Arg)

Gene: CSPP1 (centrosome and spindle pole associated protein 1; plus strand). Cytogenetic location: 8q13.2.
Variant type: single nucleotide variant.
Coding change: c.1066T>C on transcript NM_001382391.1 (MANE Select); coding-DNA position 1066, T replaced by C.
Protein change: p.Cys356Arg; replaces cysteine 356 with arginine.
Molecular consequence: missense variant.
Genome position (GRCh38, 1-based): chr8:67,105,948, T>C. VCF-style: chr8-67105948-T-C. GRCh37 (hg19) VCF-style: chr8-68018183-T-C.
Other names: c.985T>C, p.Cys329Arg (NM_001363131.2, NM_001363133.2); c.1066T>C, p.Cys356Arg (NM_001363132.2); c.1174T>C, p.Cys392Arg (NM_001364869.1); c.994T>C, p.Cys332Arg (NM_001364870.1); c.1093T>C, p.Cys365Arg (NM_024790.7); c.211T>C, p.Cys71Arg (NM_001291339.2); short protein forms C329R, C332R, C356R, C365R, C392R, C71R.
Identifiers: ClinVar variation 1720513 (VCV001720513.5), dbSNP rs2488787622, ClinGen allele CA371194584.